The following is an entry in ClinVar:

ClinVar aggregate classification (germline): Uncertain significance. Review status: criteria provided, multiple submitters, no conflicts (2 of 4 stars). 2 submissions from 2 submitters: Uncertain significance (2). Last evaluated 2022-01-19.

Submissions (2):

Labcorp Genetics (formerly Invitae), Labcorp
Classification: Uncertain significance. Last evaluated: 2022-01-19. Review status: criteria provided, single submitter. Criteria: Invitae Variant Classification Sherloc (09022015). Collection method: clinical testing. Allele origin: germline.
Comment: This sequence change replaces cysteine, which is neutral and slightly polar, with tyrosine, which is neutral and polar, at codon 147 of the RP2 protein (p.Cys147Tyr). This variant is not present in population databases (gnomAD no frequency). This variant has not been reported in the literature in individuals affected with RP2-related conditions. ClinVar contains an entry for this variant (Variation ID: 1035095). Algorithms developed to predict the effect of missense changes on protein structure and function are either unavailable or do not agree on the potential impact of this missense change (SIFT: "Tolerated"; PolyPhen-2: "Probably Damaging"; Align-GVGD: "Class C0"). In summary, the available evidence is currently insufficient to determine the role of this variant in disease. Therefore, it has been classified as a Variant of Uncertain Significance.

Blueprint Genetics
Classification: Uncertain significance. Last evaluated: 2021-12-01. Review status: criteria provided, single submitter. Criteria: ACMG Guidelines, 2015. Collection method: clinical testing. Allele origin: germline.

NM_006915.3(RP2):c.440G>A (p.Cys147Tyr)

Gene: RP2 (RP2 activator of ARL3 GTPase; plus strand). Cytogenetic location: Xp11.3.
Variant type: single nucleotide variant.
Coding change: c.440G>A on transcript NM_006915.3 (MANE Select); coding-DNA position 440, G replaced by A.
Protein change: p.Cys147Tyr; replaces cysteine 147 with tyrosine.
Molecular consequence: missense variant.
Genome position (GRCh38, 1-based): chrX:46,853,813, G>A. VCF-style: chrX-46853813-G-A. GRCh37 (hg19) VCF-style: chrX-46713248-G-A.
Other names: short protein forms C147Y.
Identifiers: ClinVar variation 1035095 (VCV001035095.9), dbSNP rs1924906002, ClinGen allele CA413039849.